The following is an entry in ClinVar:

ClinVar aggregate classification (germline): Uncertain significance (1 of 4 stars; one submission).

Submission:

Illumina Laboratory Services, Illumina
Classification: Uncertain significance. Last evaluated: 2022-12-08. Review status: criteria provided, single submitter. Criteria: ICSL CNVClassificationCriteria Aug2020. Collection method: clinical testing. Allele origin: unknown. Affected: yes.
Comment: The TANC2 c.2644G>A (p.Val882Ile) missense variant results in the substitution of valine at amino acid position 882 with isoleucine. To our knowledge, this variant has not been reported in the peer-reviewed literature. This variant is not found in version 2.1.1 or version 3.1.2 of the Genome Aggregation Database. Based on the available evidence, the c.2644G>A (p.Val882Ile) variant is classified as a variant of uncertain significance for intellectual developmental disorder with autistic features and language delay, with or without seizures.

NM_001394998.1(TANC2):c.2866G>A (p.Val956Ile)

Genes: TANC2 (tetratricopeptide repeat, ankyrin repeat and coiled-coil containing 2; plus strand), LOC105371856 (uncharacterized LOC105371856; minus strand). Cytogenetic location: 17q23.3.
Variant type: single nucleotide variant.
Coding change: c.2866G>A on transcript NM_001394998.1 (MANE Select); coding-DNA position 2866, G replaced by A.
Protein change: p.Val956Ile; replaces valine 956 with isoleucine.
Molecular consequence: missense variant.
Genome position (GRCh38, 1-based): chr17:63,389,359, G>A. VCF-style: chr17-63389359-G-A. GRCh37 (hg19) VCF-style: chr17-61466720-G-A.
Other names: c.2644G>A, p.Val882Ile (NM_001411076.1, NM_025185.4); short protein forms V882I, V956I.
Identifiers: ClinVar variation 2429432 (VCV002429432.3), dbSNP rs755919425, ClinGen allele CA400532198.